The following is an entry in ClinVar:

ClinVar aggregate classification (germline): Likely benign (1 of 4 stars; one submission).

Submission:

CeGaT Center for Human Genetics Tuebingen
Classification: Likely benign. Last evaluated: 2026-04-01. Review status: criteria provided, single submitter. Criteria: CeGaT Center For Human Genetics Tuebingen Variant Classification Criteria Version 2. Collection method: clinical testing. Allele origin: germline. Affected: yes. Observed: 1 variant allele.
Comment: C1R: BP4

NM_001733.7(C1R):c.991C>T (p.Arg331Cys)

Gene: C1R (complement C1r; minus strand). Cytogenetic location: 12p13.31.
Variant type: single nucleotide variant.
Coding change: c.991C>T on transcript NM_001733.7 (MANE Select); coding-DNA position 991, C replaced by T.
Protein change: p.Arg331Cys; replaces arginine 331 with cysteine.
Molecular consequence: missense variant.
Genome position (GRCh38, 1-based): chr12:7,088,657, G>A on the plus strand (C>T on the coding strand, the complement: C1R is on the minus strand). VCF-style: chr12-7088657-G-A. GRCh37 (hg19) VCF-style: chr12-7241253-G-A.
Other names: c.1033C>T, p.Arg345Cys (NM_001354346.2); short protein forms R331C, R345C.
Identifiers: ClinVar variation 4873360 (VCV004873360.2).